The following is an entry in ClinVar:

ClinVar aggregate classification (germline): Uncertain significance (1 of 4 stars; one submission).

Submission:

Women's Health and Genetics/Laboratory Corporation of America, LabCorp
Classification: Uncertain significance. Last evaluated: 2024-01-12. Review status: criteria provided, single submitter. Criteria: LabCorp Variant Classification Summary - May 2015. Collection method: clinical testing. Allele origin: germline.
Comment: Variant summary: SOS2 c.1323A>T (p.Glu441Asp) results in a conservative amino acid change in the Pleckstrin homology domain (IPR001849) of the encoded protein sequence. Three of five in-silico tools predict a benign effect of the variant on protein function. The variant was absent in 251328 control chromosomes. The available data on variant occurrences in the general population are insufficient to allow any conclusion about variant significance. To our knowledge, no occurrence of c.1323A>T in individuals affected with Noonan Syndrome and no experimental evidence demonstrating its impact on protein function have been reported. No submitters have cited clinical-significance assessments for this variant to ClinVar. Based on the evidence outlined above, the variant was classified as uncertain significance.

NM_006939.4(SOS2):c.1323A>T (p.Glu441Asp)

Gene: SOS2 (SOS Ras/Rho guanine nucleotide exchange factor 2; minus strand). Cytogenetic location: 14q21.3.
Variant type: single nucleotide variant.
Coding change: c.1323A>T on transcript NM_006939.4 (MANE Select); coding-DNA position 1323, A replaced by T.
Protein change: p.Glu441Asp; replaces glutamic acid 441 with aspartic acid.
Molecular consequence: missense variant.
Genome position (GRCh38, 1-based): chr14:50,159,960, T>A on the plus strand (A>T on the coding strand, the complement: SOS2 is on the minus strand). VCF-style: chr14-50159960-T-A. GRCh37 (hg19) VCF-style: chr14-50626678-T-A.
Other names: c.1224A>T, p.Glu408Asp (NM_001411020.1); short protein forms E408D, E441D.
Identifiers: ClinVar variation 3063888 (VCV003063888.1), dbSNP rs2502991578, ClinGen allele CA389646046.